The following is an entry in ClinVar:

ClinVar aggregate classification (germline): Pathogenic. Review status: criteria provided, multiple submitters, no conflicts (2 of 4 stars). 2 submissions from 2 submitters: Pathogenic (2). Last evaluated 2026-01-20.

Conditions:
Inborn genetic diseases. Identifiers: MedGen C0950123, MeSH D030342.
Anophthalmia/microphthalmia-esophageal atresia syndrome (MCOPS3). Also called: AEG SYNDROME; SOX2 Disorder; MICROPHTHALMIA AND ESOPHAGEAL ATRESIA SYNDROME. Identifiers: Orphanet 77298, MedGen C1859773, MONDO:0008799, OMIM 206900.

Submissions (2):

Ambry Genetics
Classification: Pathogenic for Inborn genetic diseases. Last evaluated: 2026-01-20. Review status: criteria provided, single submitter. Criteria: Ambry Variant Classification Scheme 2023. Collection method: clinical testing. Allele origin: germline.
Comment: The c.67_89dup23 (p.G31Afs*23) alteration, located in exon 1 (coding exon 1) of the SOX2 gene, consists of a duplication of 23 nucleotides at position 67, causing a translational frameshift with a predicted alternate stop codon after 23 amino acids. This variant is not expected to trigger nonsense-mediated mRNA decay, and impacts the last 90.5% of the protein. However, premature stop codons are typically deleterious in nature and a significant portion of the protein is affected (Ambry internal data). This variant was not reported in population-based cohorts in the Genome Aggregation Database (gnomAD). Based on the available evidence, this alteration is classified as pathogenic.

Labcorp Genetics (formerly Invitae), Labcorp
Classification: Pathogenic for Anophthalmia/microphthalmia-esophageal atresia syndrome. Last evaluated: 2022-11-24. Review status: criteria provided, single submitter. Criteria: Invitae Variant Classification Sherloc (09022015). Collection method: clinical testing. Allele origin: germline.
Comment: This sequence change creates a premature translational stop signal (p.Gly31Alafs*23) in the SOX2 gene. While this is not anticipated to result in nonsense mediated decay, it is expected to disrupt the last 287 amino acid(s) of the SOX2 protein. This variant is not present in population databases (gnomAD no frequency). This variant has not been reported in the literature in individuals affected with SOX2-related conditions. ClinVar contains an entry for this variant (Variation ID: 581870). This variant disrupts a region of the SOX2 protein in which other variant(s) (p.Arg53Profs*43) have been determined to be pathogenic (Invitae). This suggests that this is a clinically significant region of the protein, and that variants that disrupt it are likely to be disease-causing. For these reasons, this variant has been classified as Pathogenic.

NM_003106.4(SOX2):c.67_89dup (p.Gly31fs)

Genes: SOX2-OT (SOX2 overlapping transcript; plus strand), SOX2 (SRY-box transcription factor 2; plus strand), LOC108281177 (SOX2 5' regulatory region; plus strand). Cytogenetic location: 3q26.33.
Variant type: Duplication.
Coding change: c.67_89dup on transcript NM_003106.4 (MANE Select); coding-DNA positions 67 to 89, 23 bases duplicated (GGCAACTCCACCGCGGCGGCGGC).
Protein change: p.Gly31fs; shifts the reading frame from glycine 31.
Molecular consequence: frameshift variant.
Genome position (GRCh38, 1-based): chr3:181,712,427-181,712,449, GGCAACTCCACCGCGGCGGCGGC duplicated; duplicating any 23 consecutive bases within chr3:181,712,418-181,712,449 gives the same sequence; the c. name uses the placement nearest the transcript's 3' end. VCF-style (leftmost placement, unchanged base first): chr3-181712417-G-GGGCGGCGGCGGCAACTCCACCGC. GRCh37 (hg19) VCF-style: chr3-181430205-G-GGGCGGCGGCGGCAACTCCACCGC.
Other names: c.67_89dupGGCAACTCCACCGCGGCGGCGGC (NM_003106.3); short protein forms G31fs.
Identifiers: ClinVar variation 581870 (VCV000581870.10), dbSNP rs1560264167, ClinGen allele CA891842875.